The following is an entry in ClinVar:

NM_000593.6(TAP1):c.1782T>G (p.Ser594Arg)

Gene: TAP1 (transporter 1, ATP binding cassette subfamily B member; minus strand). Cytogenetic location: 6p21.32.
Variant type: single nucleotide variant.
Coding change: c.1782T>G on transcript NM_000593.6 (MANE Select); coding-DNA position 1782, T replaced by G.
Protein change: p.Ser594Arg; replaces serine 594 with arginine.
Molecular consequence: missense variant.
Genome position (GRCh38, 1-based): chr6:32,847,634, A>C on the plus strand (T>G on the coding strand, the complement: TAP1 is on the minus strand). VCF-style: chr6-32847634-A-C. GRCh37 (hg19) VCF-style: chr6-32815411-A-C.
Other names: c.1179T>G, p.Ser393Arg (NM_001292022.2); c.1962T>G (NM_000593.5); short protein forms S594R, S393R.
Identifiers: ClinVar variation 1405713 (VCV001405713.9), dbSNP rs368026868, ClinGen allele CA3746681.
Genomic context (GRCh38, chr6:32,847,634, plus strand): 5'-AGCTGTGATTTCCTCCATAGTTGGCTTCTGGGTCAGGCCATAGGCAATATTTTCTTGAAG[A>C]CTTCTTCCAAATACCTGTGGCTCTTGTCCCACTGCAGCCACCTGAGATGAAATATGATGA-3'
Protein context (NP_000584.3, residues 584-604): VGQEPQVFGR[Ser594Arg]LQENIAYGLT

ClinVar aggregate classification (germline): Uncertain significance. Review status: criteria provided, multiple submitters, no conflicts (2 of 4 stars). 2 submissions from 2 submitters: Uncertain significance (2). Last evaluated 2026-01-20.

Conditions:
MHC class I deficiency. Identifiers: Orphanet 34592, MedGen C6024714, MONDO:0011476.
Inborn genetic diseases. Identifiers: MedGen C0950123, MeSH D030342.

Allele frequency attached by ClinVar (database versions not stated): gnomAD 0.00001; gnomAD exomes 0.00001 and below 0.00001; ExAC 0.00001.
gnomAD v4.1: 5 of 1,613,828 alleles (0.00031%); highest among the groups gnomAD compares: East Asian, 0.0022%; no homozygotes.

Submissions (2):

Labcorp Genetics (formerly Invitae), Labcorp
Classification: Uncertain significance for MHC class I deficiency 1. Last evaluated: 2026-01-20. Review status: criteria provided, single submitter. Criteria: Invitae Variant Classification Sherloc (09022015). Collection method: clinical testing. Allele origin: germline.
Comment: This sequence change replaces serine, which is neutral and polar, with arginine, which is basic and polar, at codon 654 of the TAP1 protein (p.Ser654Arg). This variant is present in population databases (rs368026868, gnomAD 0.006%). This variant has not been reported in the literature in individuals affected with TAP1-related conditions. ClinVar contains an entry for this variant (Variation ID: 1405713). An algorithm developed to predict the effect of missense changes on protein structure and function (PolyPhen-2) suggests that this variant is likely to be disruptive. In summary, the available evidence is currently insufficient to determine the role of this variant in disease. Therefore, it has been classified as a Variant of Uncertain Significance.

Ambry Genetics
Classification: Uncertain significance for Inborn genetic diseases. Last evaluated: 2025-01-02. Review status: criteria provided, single submitter. Criteria: Ambry Variant Classification Scheme 2023. Collection method: clinical testing. Allele origin: germline.